The following is an entry in ClinVar:

NM_003476.5(CSRP3):c.443C>T (p.Ala148Val)

Gene: CSRP3 (cysteine and glycine rich protein 3; minus strand). Cytogenetic location: 11p15.1.
Variant type: single nucleotide variant.
Coding change: c.443C>T on transcript NM_003476.5 (MANE Select); coding-DNA position 443, C replaced by T.
Protein change: p.Ala148Val; replaces alanine 148 with valine.
Molecular consequence: missense variant.
Genome position (GRCh38, 1-based): chr11:19,185,017, G>A on the plus strand (C>T on the coding strand, the complement: CSRP3 is on the minus strand). VCF-style: chr11-19185017-G-A. GRCh37 (hg19) VCF-style: chr11-19206564-G-A.
Other names: c.443C>T (NM_003476.3); c.274C>T, p.Pro92Ser (NM_001369404.1); short protein forms P92S, A148V.
Identifiers: ClinVar variation 1424181 (VCV001424181.7), dbSNP rs2133506914, ClinGen allele CA379887745.

ClinVar aggregate classification (germline): Uncertain significance. Review status: criteria provided, multiple submitters, no conflicts (2 of 4 stars). 2 submissions from 2 submitters: Uncertain significance (2). Last evaluated 2023-12-16.

Conditions:
Cardiovascular phenotype. Identifiers: MedGen CN230736.
Hypertrophic cardiomyopathy 12. Identifiers: MedGen C2677491, MONDO:0012804, OMIM 612124.
Dilated cardiomyopathy 1M (CMD1M). Identifiers: Orphanet 154, MedGen C1843808, MONDO:0011840, OMIM 607482.

Submissions (2):

Ambry Genetics
Classification: Uncertain significance for Cardiovascular phenotype. Last evaluated: 2023-12-16. Review status: criteria provided, single submitter. Criteria: Ambry Variant Classification Scheme 2023. Collection method: clinical testing. Allele origin: germline.

Labcorp Genetics (formerly Invitae), Labcorp
Classification: Uncertain significance for Hypertrophic cardiomyopathy 12; Dilated cardiomyopathy 1M. Last evaluated: 2021-11-02. Review status: criteria provided, single submitter. Criteria: Invitae Variant Classification Sherloc (09022015). Collection method: clinical testing. Allele origin: germline.
Comment: In summary, the available evidence is currently insufficient to determine the role of this variant in disease. Therefore, it has been classified as a Variant of Uncertain Significance. Algorithms developed to predict the effect of missense changes on protein structure and function (SIFT, PolyPhen-2, Align-GVGD) all suggest that this variant is likely to be tolerated. This variant has not been reported in the literature in individuals affected with CSRP3-related conditions. This variant is not present in population databases (gnomAD no frequency). This sequence change replaces alanine, which is neutral and non-polar, with valine, which is neutral and non-polar, at codon 148 of the CSRP3 protein (p.Ala148Val).